The following is an entry in ClinVar:

NM_001382391.1(CSPP1):c.773G>A (p.Arg258Lys)

Gene: CSPP1 (centrosome and spindle pole associated protein 1; plus strand). Cytogenetic location: 8q13.1.
Variant type: single nucleotide variant.
Coding change: c.773G>A on transcript NM_001382391.1 (MANE Select); coding-DNA position 773, G replaced by A.
Protein change: p.Arg258Lys; replaces arginine 258 with lysine.
Molecular consequence: missense variant. On other transcripts: 5 prime UTR variant (1).
Genome position (GRCh38, 1-based): chr8:67,095,582, G>A. VCF-style: chr8-67095582-G-A. GRCh37 (hg19) VCF-style: chr8-68007817-G-A.
Other names: c.881G>A, p.Arg294Lys (NM_001364869.1); c.800G>A, p.Arg267Lys (NM_001364870.1, NM_024790.7); c.-83G>A (NM_001291339.2); c.692G>A, p.Arg231Lys (NM_001363131.2, NM_001363133.2); c.773G>A, p.Arg258Lys (NM_001363132.2); short protein forms R267K, R258K, R294K, R231K.
Identifiers: ClinVar variation 841703 (VCV000841703.11), dbSNP rs199901120, ClinGen allele CA4770358.
Genomic context (GRCh38, chr8:67,095,582, plus strand): 5'-AAGTGGGCATTTCCAACCTAAAACATCAAAGGTTTGCAAGCAAGGCTGGCATTCCAGATA[G>A]AAGATTTCACAGATTTAATGAGGATCGTGTTTTTGATAGACGGTATCATAGACCAGACCA-3'
Protein context (NP_001369320.1, residues 248-268): RFASKAGIPD[Arg258Lys]RFHRFNEDRV

ClinVar aggregate classification (germline): Uncertain significance. Review status: criteria provided, multiple submitters, no conflicts (2 of 4 stars). 5 submissions from 5 submitters: Uncertain significance (4). 1 of the submissions does not count toward it. Last evaluated 2026-01-12.

Conditions:
Inborn genetic diseases. Identifiers: MedGen C0950123, MeSH D030342.
Retinal dystrophy. Also called: Inherited retinal dystrophy. Identifiers: Orphanet 71862, MedGen C0854723, MeSH D058499, MONDO:0019118, HP:0000556.
Joubert syndrome 21 (JBTS21). Identifiers: MedGen C3810212, MONDO:0014288, OMIM 615636.

Allele frequency attached by ClinVar (database versions not stated): ExAC 0.00016; gnomAD 0.00019 and 0.00020; gnomAD exomes 0.00020 and 0.00022; TOPMed 0.00022; ESP Exome Variant Server 0.00034.

Submissions (5):

Labcorp Genetics (formerly Invitae), Labcorp
Classification: Uncertain significance for Joubert syndrome 21. Last evaluated: 2026-01-12. Review status: criteria provided, single submitter. Criteria: Invitae Variant Classification Sherloc (09022015). Collection method: clinical testing. Allele origin: germline.
Comment: This sequence change replaces arginine, which is basic and polar, with lysine, which is basic and polar, at codon 267 of the CSPP1 protein (p.Arg267Lys). This variant is present in population databases (rs199901120, gnomAD 0.03%). This variant has not been reported in the literature in individuals affected with CSPP1-related conditions. ClinVar contains an entry for this variant (Variation ID: 841703). An algorithm developed to predict the effect of missense changes on protein structure and function (PolyPhen-2) suggests that this variant is likely to be tolerated. In summary, the available evidence is currently insufficient to determine the role of this variant in disease. Therefore, it has been classified as a Variant of Uncertain Significance.

GeneDx
Classification: Uncertain significance. Last evaluated: 2025-12-03. Review status: criteria provided, single submitter. Criteria: GeneDx Variant Classification Process June 2021. Collection method: clinical testing. Allele origin: germline.
Comment: In silico analysis suggests that this missense variant does not alter protein structure/function; Has not been previously published as pathogenic or benign to our knowledge

Ambry Genetics
Classification: Uncertain significance for Inborn genetic diseases. Last evaluated: 2025-04-16. Review status: criteria provided, single submitter. Criteria: Ambry Variant Classification Scheme 2023. Collection method: clinical testing. Allele origin: germline.

Blueprint Genetics
Classification: Uncertain significance. Last evaluated: 2024-10-11. Review status: criteria provided, single submitter. Criteria: ACMG Guidelines, 2015. Collection method: clinical testing. Allele origin: germline.

Institute of Human Genetics, Univ. Regensburg, Univ. Regensburg
Classification: Uncertain significance for Retinal dystrophy. Last evaluated: 2022-01-01. Review status: no assertion criteria provided. Criteria: ACMG Guidelines, 2015. Collection method: clinical testing. Allele origin: germline. Affected: yes. Not counted in ClinVar's aggregate classification.